The following is an entry in ClinVar:

NM_138773.4(SLC25A46):c.873G>C (p.Lys291Asn)

Gene: SLC25A46 (solute carrier family 25 member 46; plus strand). Cytogenetic location: 5q22.1.
Variant type: single nucleotide variant.
Coding change: c.873G>C on transcript NM_138773.4 (MANE Select); coding-DNA position 873, G replaced by C.
Protein change: p.Lys291Asn; replaces lysine 291 with asparagine.
Molecular consequence: missense variant. On other transcripts: non-coding transcript variant (1), intron variant (1).
Genome position (GRCh38, 1-based): chr5:110,761,398, G>C. VCF-style: chr5-110761398-G-C. GRCh37 (hg19) VCF-style: chr5-110097098-G-C.
Other names: c.600G>C, p.Lys200Asn (NM_001303250.3); c.679-49G>C (NM_001303249.3); short protein forms K200N, K291N.
Identifiers: ClinVar variation 3371427 (VCV003371427.1).

ClinVar aggregate classification (germline): Uncertain significance (1 of 4 stars; one submission).

gnomAD v4.1: 3 of 1,613,700 alleles (0.00019%); highest among the groups gnomAD compares: East Asian, 0.0067%; no homozygotes.

Submission:

GeneDx
Classification: Uncertain significance. Last evaluated: 2024-03-26. Review status: criteria provided, single submitter. Criteria: GeneDx Variant Classification Process June 2021. Collection method: clinical testing. Allele origin: germline. Affected: yes.
Comment: Not observed at significant frequency in large population cohorts (gnomAD); In silico analysis supports that this missense variant does not alter protein structure/function; Has not been previously published as pathogenic or benign to our knowledge